The following is an entry in ClinVar:

ClinVar aggregate classification (germline): Uncertain significance. Review status: criteria provided, multiple submitters, no conflicts (2 of 4 stars). 2 submissions from 2 submitters: Uncertain significance (2). Last evaluated 2025-12-01.

Conditions:
Myofibrillar myopathy 4. Also called: Zaspopathy (type). Identifiers: Orphanet 98912, MedGen C4721886, MONDO:0012277, OMIM 609452.
Cardiovascular phenotype. Identifiers: MedGen CN230736.

Submissions (2):

Ambry Genetics
Classification: Uncertain significance for Cardiovascular phenotype. Last evaluated: 2025-12-01. Review status: criteria provided, single submitter. Criteria: Ambry Variant Classification Scheme 2023. Collection method: clinical testing. Allele origin: germline.
Comment: The p.P395L variant (also known as c.1184C>T), located in coding exon 8 of the LDB3 gene, results from a C to T substitution at nucleotide position 1184. The proline at codon 395 is replaced by leucine, an amino acid with similar properties. This amino acid position is conserved. In addition, the in silico prediction for this alteration is inconclusive. Based on the available evidence, the clinical significance of this variant remains unclear.

Labcorp Genetics (formerly Invitae), Labcorp
Classification: Uncertain significance for Myofibrillar myopathy 4. Last evaluated: 2023-02-16. Review status: criteria provided, single submitter. Criteria: Invitae Variant Classification Sherloc (09022015). Collection method: clinical testing. Allele origin: germline.
Comment: This variant has not been reported in the literature in individuals affected with LDB3-related conditions. In summary, the available evidence is currently insufficient to determine the role of this variant in disease. Therefore, it has been classified as a Variant of Uncertain Significance. Experimental studies and prediction algorithms are not available or were not evaluated, and the functional significance of this variant is currently unknown. This variant is not present in population databases (gnomAD no frequency). This sequence change replaces proline, which is neutral and non-polar, with leucine, which is neutral and non-polar, at codon 395 of the LDB3 protein (p.Pro395Leu). The LDB3 gene has multiple clinically relevant transcripts. This variant occurs in alternate transcript NM_007078.3, and corresponds to NM_001080116.1:c.*10629C>T in the primary transcript.

NM_007078.3(LDB3):c.1184C>T (p.Pro395Leu)

Gene: LDB3 (LIM domain binding 3; plus strand). Cytogenetic location: 10q23.2.
Variant type: single nucleotide variant.
Coding change: c.1184C>T on transcript NM_007078.3 (MANE Select); coding-DNA position 1184, C replaced by T.
Protein change: p.Pro395Leu; replaces proline 395 with leucine.
Molecular consequence: missense variant.
Genome position (GRCh38, 1-based): chr10:86,710,003, C>T. VCF-style: chr10-86710003-C-T. GRCh37 (hg19) VCF-style: chr10-88469760-C-T.
Other names: c.854C>T, p.Pro285Leu (NM_001080114.2); c.1199C>T, p.Pro400Leu (NM_001171610.2); c.995C>T, p.Pro332Leu (NM_001368064.1, NM_001368065.1); c.1043C>T, p.Pro348Leu (NM_001368066.1); c.1184C>T (NM_007078.2); short protein forms P400L, P285L, P348L, P332L, P395L.
Identifiers: ClinVar variation 1493813 (VCV001493813.7), dbSNP rs2132466193, ClinGen allele CA377448555.